The following is an entry in ClinVar:

ClinVar aggregate classification (germline): Pathogenic. Review status: criteria provided, multiple submitters, no conflicts (2 of 4 stars). 2 submissions from 2 submitters: Pathogenic (2). Last evaluated 2024-01-05.

Conditions:
Adenylosuccinate lyase deficiency (ADSLD). Also called: ADSL DEFICIENCY. Identifiers: Orphanet 46, MedGen C0268126, MONDO:0007068, OMIM 103050.

Allele frequency attached by ClinVar (database versions not stated): gnomAD exomes below 0.00001.
gnomAD v4.1: 1 of 1,614,174 alleles (0.000062%); highest among the groups gnomAD compares: Non-Finnish European, 0.000085%; no homozygotes.

Submissions (2):

GeneDx
Classification: Pathogenic. Last evaluated: 2024-01-05. Review status: criteria provided, single submitter. Criteria: GeneDx Variant Classification Process June 2021. Collection method: clinical testing. Allele origin: germline. Affected: yes.
Comment: Nonsense variant predicted to result in protein truncation or nonsense mediated decay in a gene for which loss of function is a known mechanism of disease; Not observed at significant frequency in large population cohorts (gnomAD); This variant is associated with the following publications: (PMID: 31440721)

Labcorp Genetics (formerly Invitae), Labcorp
Classification: Pathogenic for Adenylosuccinate lyase deficiency. Last evaluated: 2023-08-04. Review status: criteria provided, single submitter. Criteria: Invitae Variant Classification Sherloc (09022015). Collection method: clinical testing. Allele origin: germline.
Comment: For these reasons, this variant has been classified as Pathogenic. ClinVar contains an entry for this variant (Variation ID: 583132). This variant has not been reported in the literature in individuals affected with ADSL-related conditions. This variant is not present in population databases (gnomAD no frequency). This sequence change creates a premature translational stop signal (p.Gln184*) in the ADSL gene. It is expected to result in an absent or disrupted protein product. Loss-of-function variants in ADSL are known to be pathogenic (PMID: 10888601, 20177786).

Literature cited by the submitters: PubMed 10888601 (cited by Labcorp Genetics (formerly Invitae), Labcorp); PubMed 20177786 (cited by Labcorp Genetics (formerly Invitae), Labcorp).

NM_000026.4(ADSL):c.550C>T (p.Gln184Ter)

Gene: ADSL (adenylosuccinate lyase; plus strand). Cytogenetic location: 22q13.1.
Variant type: single nucleotide variant.
Coding change: c.550C>T on transcript NM_000026.4 (MANE Select); coding-DNA position 550, C replaced by T.
Protein change: p.Gln184Ter; replaces glutamine 184 with a stop codon.
Molecular consequence: nonsense. On other transcripts: non-coding transcript variant (1).
Genome position (GRCh38, 1-based): chr22:40,358,931, C>T. VCF-style: chr22-40358931-C-T. GRCh37 (hg19) VCF-style: chr22-40754935-C-T.
Other names: c.550C>T, p.Gln184Ter (NM_001123378.3, NM_001363840.3); c.358C>T, p.Gln120Ter (NM_001317923.2); short protein forms Q184*, Q120*.
Identifiers: ClinVar variation 583132 (VCV000583132.7), dbSNP rs1569096551, ClinGen allele CA411640840.